The following is an entry in ClinVar:

NM_000308.4(CTSA):c.948G>A (p.Gln316=)

Gene: CTSA (cathepsin A; plus strand). Cytogenetic location: 20q13.12.
Variant type: single nucleotide variant.
Coding change: c.948G>A on transcript NM_000308.4 (MANE Select); coding-DNA position 948, G replaced by A.
Protein change: p.Gln316=; no amino-acid change (glutamine 316 retained).
Molecular consequence: synonymous variant. On other transcripts: non-coding transcript variant (1).
Genome position (GRCh38, 1-based): chr20:45,894,901, G>A. VCF-style: chr20-45894901-G-A. GRCh37 (hg19) VCF-style: chr20-44523540-G-A.
Other names: c.948G>A, p.Gln316= (NM_001127695.3); c.897G>A, p.Gln299= (NM_001167594.3).
Identifiers: ClinVar variation 1429285 (VCV001429285.6), dbSNP rs2145819241, ClinGen allele CA409252536.
Genomic context (GRCh38, chr20:45,894,901, plus strand): 5'-TGTGGTCCAGGATTTGGGCAACATCTTCACTCGCCTGCCACTCAAGCGGATGTGGCATCA[G>A]GTGTGCGAGGGCGTGGGCTTCCTCCTGGTGAGGTGGGGGCAGGGGGAGGGGCAGGGAAGC-3'
Protein context (NP_000299.3, residues 306-326): TRLPLKRMWH[Gln316=]ALLRSGDKVR

ClinVar aggregate classification (germline): Uncertain significance (1 of 4 stars; one submission).

Conditions:
Combined deficiency of sialidase AND beta galactosidase (GSL). Also called: GOLDBERG SYNDROME; NEURAMINIDASE DEFICIENCY WITH BETA-GALACTOSIDASE DEFICIENCY; NEURAMINIDASE/BETA-GALACTOSIDASE EXPRESSION; PPCA DEFICIENCY; PROTECTIVE PROTEIN/CATHEPSIN A DEFICIENCY; Galactosialidosis. Identifiers: Orphanet 351, MedGen C0268233, MONDO:0009737, OMIM 256540.

Submission:

Labcorp Genetics (formerly Invitae), Labcorp
Classification: Uncertain significance for Combined deficiency of sialidase AND beta galactosidase. Last evaluated: 2024-02-17. Review status: criteria provided, single submitter. Criteria: Invitae Variant Classification Sherloc (09022015). Collection method: clinical testing. Allele origin: germline.
Comment: This sequence change affects codon 334 of the CTSA mRNA. It is a 'silent' change, meaning that it does not change the encoded amino acid sequence of the CTSA protein. This variant also falls at the last nucleotide of exon 10, which is part of the consensus splice site for this exon. This variant is not present in population databases (gnomAD no frequency). This variant has not been reported in the literature in individuals affected with CTSA-related conditions. ClinVar contains an entry for this variant (Variation ID: 1429285). Variants that disrupt the consensus splice site are a relatively common cause of aberrant splicing (PMID: 17576681, 9536098). Algorithms developed to predict the effect of sequence changes on RNA splicing suggest that this variant may disrupt the consensus splice site. In summary, the available evidence is currently insufficient to determine the role of this variant in disease. Therefore, it has been classified as a Variant of Uncertain Significance.

Literature cited by the submitters: PubMed 17576681; PubMed 9536098.